The following is an entry in ClinVar:

ClinVar aggregate classification (germline): Uncertain significance (1 of 4 stars; one submission).

Allele frequency attached by ClinVar (database versions not stated): gnomAD exomes below 0.00001.
gnomAD v4.1: 1 of 1,593,534 alleles (0.000063%); highest among the groups gnomAD compares: Non-Finnish European, 0.000085%; no homozygotes.

Submission:

Labcorp Genetics (formerly Invitae), Labcorp
Classification: Uncertain significance. Last evaluated: 2023-07-17. Review status: criteria provided, single submitter. Criteria: Invitae Variant Classification Sherloc (09022015). Collection method: clinical testing. Allele origin: germline.
Comment: This variant has not been reported in the literature in individuals affected with CTNNA1-related conditions. In summary, the available evidence is currently insufficient to determine the role of this variant in disease. Therefore, it has been classified as a Variant of Uncertain Significance. An algorithm developed to predict the effect of missense changes on protein structure and function (PolyPhen-2) suggests that this variant is likely to be tolerated. This sequence change replaces alanine, which is neutral and non-polar, with valine, which is neutral and non-polar, at codon 6 of the CTNNA1 protein (p.Ala6Val). This variant is not present in population databases (gnomAD no frequency).

NM_001903.5(CTNNA1):c.17C>T (p.Ala6Val)

Gene: CTNNA1 (catenin alpha 1; plus strand). Cytogenetic location: 5q31.2.
Variant type: single nucleotide variant.
Coding change: c.17C>T on transcript NM_001903.5 (MANE Select); coding-DNA position 17, C replaced by T.
Protein change: p.Ala6Val; replaces alanine 6 with valine.
Molecular consequence: missense variant. On other transcripts: 5 prime UTR variant (2).
Genome position (GRCh38, 1-based): chr5:138,781,941, C>T. VCF-style: chr5-138781941-C-T. GRCh37 (hg19) VCF-style: chr5-138117630-C-T.
Other names: c.17C>T, p.Ala6Val (NM_001323982.2, NM_001323983.1, NM_001323984.2 and 3 more transcripts); c.-97C>T (NM_001290309.3); c.-190C>T (NM_001290310.3); short protein forms A6V.
Identifiers: ClinVar variation 2744358 (VCV002744358.3), dbSNP rs2532170251, ClinGen allele CA361477053.